The following is an entry in ClinVar:

ClinVar aggregate classification (germline): Uncertain significance (1 of 4 stars; one submission).

Submission:

Labcorp Genetics (formerly Invitae), Labcorp
Classification: Uncertain significance. Last evaluated: 2022-11-07. Review status: criteria provided, single submitter. Criteria: Invitae Variant Classification Sherloc (09022015). Collection method: clinical testing. Allele origin: germline.
Comment: In summary, the available evidence is currently insufficient to determine the role of this variant in disease. Therefore, it has been classified as a Variant of Uncertain Significance. Algorithms developed to predict the effect of missense changes on protein structure and function output the following: SIFT: "Tolerated"; PolyPhen-2: "Benign"; Align-GVGD: "Class C0". The glycine amino acid residue is found in multiple mammalian species, which suggests that this missense change does not adversely affect protein function. This variant has not been reported in the literature in individuals affected with ANKRD26-related conditions. This variant is not present in population databases (gnomAD no frequency). This sequence change replaces alanine, which is neutral and non-polar, with glycine, which is neutral and non-polar, at codon 1215 of the ANKRD26 protein (p.Ala1215Gly).

NM_014915.3(ANKRD26):c.3644C>G (p.Ala1215Gly)

Gene: ANKRD26 (ankyrin repeat domain 26; minus strand). Cytogenetic location: 10p12.1.
Variant type: single nucleotide variant.
Coding change: c.3644C>G on transcript NM_014915.3 (MANE Select); coding-DNA position 3644, C replaced by G.
Protein change: p.Ala1215Gly; replaces alanine 1215 with glycine.
Molecular consequence: missense variant.
Genome position (GRCh38, 1-based): chr10:27,034,806, G>C on the plus strand (C>G on the coding strand, the complement: ANKRD26 is on the minus strand). VCF-style: chr10-27034806-G-C. GRCh37 (hg19) VCF-style: chr10-27323735-G-C.
Other names: c.3641C>G, p.Ala1214Gly (NM_001256053.2); short protein forms A1215G, A1214G.
Identifiers: ClinVar variation 2812573 (VCV002812573.3), dbSNP rs1564373490, ClinGen allele CA376362330.